The following is an entry in ClinVar:

NM_001457.4(FLNB):c.3899G>T (p.Gly1300Val)

Gene: FLNB (filamin B; plus strand). Cytogenetic location: 3p14.3.
Variant type: single nucleotide variant.
Coding change: c.3899G>T on transcript NM_001457.4 (MANE Select); coding-DNA position 3899, G replaced by T.
Protein change: p.Gly1300Val; replaces glycine 1300 with valine.
Molecular consequence: missense variant.
Genome position (GRCh38, 1-based): chr3:58,125,581, G>T. VCF-style: chr3-58125581-G-T. GRCh37 (hg19) VCF-style: chr3-58111308-G-T.
Other names: c.3899G>T, p.Gly1300Val (NM_001164317.2, NM_001164318.2, NM_001164319.2); short protein forms G1300V.
Identifiers: ClinVar variation 3658886 (VCV003658886.2).

ClinVar aggregate classification (germline): Uncertain significance (1 of 4 stars; one submission).

gnomAD v4.1: 1 of 1,614,146 alleles (0.000062%); highest among the groups gnomAD compares: South Asian, 0.0011%; no homozygotes.

Submission:

Labcorp Genetics (formerly Invitae), Labcorp
Classification: Uncertain significance. Last evaluated: 2024-07-06. Review status: criteria provided, single submitter. Criteria: Invitae Variant Classification Sherloc (09022015). Collection method: clinical testing. Allele origin: germline.
Comment: This sequence change replaces glycine, which is neutral and non-polar, with valine, which is neutral and non-polar, at codon 1300 of the FLNB protein (p.Gly1300Val). This variant is not present in population databases (gnomAD no frequency). This variant has not been reported in the literature in individuals affected with FLNB-related conditions. An algorithm developed to predict the effect of missense changes on protein structure and function (PolyPhen-2) suggests that this variant is likely to be disruptive. Algorithms developed to predict the effect of sequence changes on RNA splicing suggest that this variant may create or strengthen a splice site. In summary, the available evidence is currently insufficient to determine the role of this variant in disease. Therefore, it has been classified as a Variant of Uncertain Significance.